The following is an entry in ClinVar:

ClinVar aggregate classification (germline): Uncertain significance (1 of 4 stars; one submission).

Conditions:
Dilated cardiomyopathy 1W (CMD1W). Identifiers: Orphanet 154, MedGen C1969639, MONDO:0012667, OMIM 611407.

Submission:

Labcorp Genetics (formerly Invitae), Labcorp
Classification: Uncertain significance for Dilated cardiomyopathy 1W. Last evaluated: 2022-06-11. Review status: criteria provided, single submitter. Criteria: Invitae Variant Classification Sherloc (09022015). Collection method: clinical testing. Allele origin: germline.
Comment: In summary, the available evidence is currently insufficient to determine the role of this variant in disease. Therefore, it has been classified as a Variant of Uncertain Significance. Algorithms developed to predict the effect of missense changes on protein structure and function are either unavailable or do not agree on the potential impact of this missense change (SIFT: "Not Available"; PolyPhen-2: "Probably Damaging"; Align-GVGD: "Not Available"). This variant has not been reported in the literature in individuals affected with VCL-related conditions. This variant is not present in population databases (gnomAD no frequency). This sequence change replaces arginine, which is basic and polar, with leucine, which is neutral and non-polar, at codon 105 of the VCL protein (p.Arg105Leu).

NM_014000.3(VCL):c.314G>T (p.Arg105Leu)

Gene: VCL (vinculin; plus strand). Cytogenetic location: 10q22.2.
Variant type: single nucleotide variant.
Coding change: c.314G>T on transcript NM_014000.3 (MANE Select); coding-DNA position 314, G replaced by T.
Protein change: p.Arg105Leu; replaces arginine 105 with leucine.
Molecular consequence: missense variant.
Genome position (GRCh38, 1-based): chr10:74,070,744, G>T. VCF-style: chr10-74070744-G-T. GRCh37 (hg19) VCF-style: chr10-75830502-G-T.
Other names: c.314G>T, p.Arg105Leu (NM_003373.4); short protein forms R105L.
Identifiers: ClinVar variation 2145378 (VCV002145378.4), dbSNP rs2136272720, ClinGen allele CA377265911.